The following is an entry in ClinVar:

ClinVar aggregate classification (germline): Likely pathogenic (1 of 4 stars; one submission).

Conditions:
Cardiovascular phenotype. Identifiers: MedGen CN230736.

Submission:

Ambry Genetics
Classification: Likely pathogenic for Cardiovascular phenotype. Last evaluated: 2020-07-14. Review status: criteria provided, single submitter. Criteria: Ambry Variant Classification Scheme 2023. Collection method: clinical testing. Allele origin: germline.
Comment: The c.49584delT variant, located in coding exon 153 of the TTN gene, results from a deletion of one nucleotide at nucleotide position 49584, causing a translational frameshift with a predicted alternate stop codon (p.F16528Lfs*4). This exon is located in the A-band region of the N2-B isoform of the titin protein and is constitutively expressed in TTN transcripts (percent spliced in or PSI 100%). This alteration is expected to result in loss of function by premature protein truncation or nonsense-mediated mRNA decay. While truncating variants in TTN are present in 1-3% of the general population, truncating variants in the A-band are the most common cause of dilated cardiomyopathy (DCM) (Herman DS et al. N. Engl. J. Med., 2012 Feb;366:619-28; Roberts AM et al. Sci Transl Med, 2015 Jan;7:270ra6). TTN truncating variants encoded in constitutive exons (PSI >90%) have been found to be significantly associated with DCM regardless of their position in titin (Schafer S et al. Nat. Genet., 2017 01;49:46-53). As such, this alteration is classified as likely pathogenic.

NM_001267550.2(TTN):c.76779del (p.Phe25593fs)

Genes: TTN (titin; minus strand), TTN-AS1 (TTN antisense RNA 1; plus strand). Cytogenetic location: 2q31.2.
Variant type: Deletion.
Coding change: c.76779del on transcript NM_001267550.2 (MANE Select); coding-DNA position 76779, one base deleted (T; older notation c.76779delT).
Protein change: p.Phe25593fs; shifts the reading frame from phenylalanine 25593.
Molecular consequence: frameshift variant.
Genome position (GRCh38, 1-based): chr2:178,569,353, A deleted on the plus strand (T on the coding strand, the reverse complement: TTN is on the minus strand); the first of 3 consecutive A bases (chr2:178,569,353-178,569,355); deleting any one gives the same sequence. VCF-style (leftmost placement, unchanged base first): chr2-178569352-CA-C. GRCh37 (hg19) VCF-style: chr2-179434079-CA-C.
Other names: c.71856del, p.Phe23952fs (NM_001256850.1); c.49584del, p.Phe16528fs (NM_003319.4); c.69075del, p.Phe23025fs (NM_133378.4); c.49959del, p.Phe16653fs (NM_133432.3); c.50160del, p.Phe16720fs (NM_133437.4); c.49584delT (NM_003319.4); short protein forms F23952fs, F16653fs, F23025fs, F16528fs, F16720fs, F25593fs.
Identifiers: ClinVar variation 1744359 (VCV001744359.2), dbSNP rs2468402452, ClinGen allele CA2580064827.
Genomic context (GRCh38, chr2:178,569,352, plus strand): 5'-TGATTTCTGTGACTTTCAGGTTAACAGGTGGACTTGGCGTGTCCAGAACTCTCACAGTAA[CA>C]AAGGCAGACTTTGTTCCACTGCTGTTTTCTAATGTAAGCGTATATTTTCCACTATCATAT-3'